The following is an entry in ClinVar:

NM_207037.2(TCF12):c.548_551del (p.Val183fs)

Gene: TCF12 (transcription factor 12; plus strand). Cytogenetic location: 15q21.3.
Variant type: Deletion.
Coding change: c.548_551del on transcript NM_207037.2 (MANE Select); coding-DNA positions 548 to 551, 4 bases deleted (TCAG; older notation c.548_551delTCAG).
Protein change: p.Val183fs; shifts the reading frame from valine 183.
Molecular consequence: frameshift variant. On other transcripts: 5 prime UTR variant (1).
Genome position (GRCh38, 1-based): chr15:57,197,794-57,197,797, TCAG deleted; deleting any 4 consecutive bases within chr15:57,197,792-57,197,797 gives the same sequence; the c. name uses the placement nearest the transcript's 3' end. VCF-style (leftmost placement, unchanged base first): chr15-57197791-AAGTC-A. GRCh37 (hg19) VCF-style: chr15-57489989-AAGTC-A.
Other names: c.548_551del, p.Val183fs (NM_001322151.2, NM_001322152.2, NM_001322157.3 and 7 more transcripts); c.-110_-107del (NM_001322154.2); c.374_377del, p.Val125fs (NM_001322156.2, NM_001322158.2); c.584_587del, p.Val195fs (NM_001322164.2); short protein forms V183fs, V125fs, V195fs.
Identifiers: ClinVar variation 524061 (VCV000524061.2), dbSNP rs1555392502, ClinGen allele CA658798382.

ClinVar aggregate classification (germline): Likely pathogenic (1 of 4 stars; one submission).

Submission:

GeneDx
Classification: Likely pathogenic. Last evaluated: 2018-04-17. Review status: criteria provided, single submitter. Criteria: GeneDx Variant Classification (06012015). Collection method: clinical testing. Allele origin: germline. Affected: yes.
Comment: The c.548_551delTCAG variant in the TCF12 gene has not been reported previously as a pathogenic variant nor as a benign variant, to our knowledge. The c.548_551delTCAG variant causes a frameshift starting with codon Valine 183, changes this amino acid to a Glutamic Acid residue, and creates a premature Stop codon at position 61 of the new reading frame, denoted p.Val183GlufsX61. This variant is predicted to cause loss of normal protein function either through protein truncation or nonsense-mediated mRNA decay. The c.548_551delTCAG variant is not observed in large population cohorts (Lek et al., 2016). We interpret c.548_551delTCAG as a likely pathogenic variant.